The following is an entry in ClinVar:

ClinVar aggregate classification (germline): Uncertain significance. Review status: criteria provided, multiple submitters, no conflicts (2 of 4 stars). 2 submissions from 2 submitters: Uncertain significance (2). Last evaluated 2022-07-01.

Conditions:
Familial melanoma. Also called: Hereditary melanoma; Hereditary cutaneous melanoma. Identifiers: Orphanet 618, MedGen C1512419, MONDO:0018961.
Hereditary cancer-predisposing syndrome. Also called: Neoplastic Syndromes, Hereditary; Tumor predisposition; Hereditary Cancer Syndrome; Hereditary neoplastic syndrome. Identifiers: Orphanet 140162, MedGen C0027672, MeSH D009386, MONDO:0015356.

Allele frequency attached by ClinVar (database versions not stated): gnomAD exomes below 0.00001.
gnomAD v4.1: 1 of 1,601,522 alleles (0.000062%); highest among the groups gnomAD compares: Non-Finnish European, 0.000085%; no homozygotes.

Submissions (2):

Ambry Genetics
Classification: Uncertain significance for Hereditary cancer-predisposing syndrome. Last evaluated: 2022-07-01. Review status: criteria provided, single submitter. Criteria: Ambry Variant Classification Scheme 2023. Collection method: clinical testing. Allele origin: germline.
Comment: The p.P61R variant (also known as c.182C>G), located in coding exon 1 of the CDKN2A gene, results from a C to G substitution at nucleotide position 182. The proline at codon 61 is replaced by arginine, an amino acid with dissimilar properties. This amino acid position is well conserved in available vertebrate species. In addition, this alteration is predicted to be tolerated by in silico analysis. Since supporting evidence is limited at this time, the clinical significance of this alteration remains unclear.

Labcorp Genetics (formerly Invitae), Labcorp
Classification: Uncertain significance for Familial melanoma. Last evaluated: 2021-08-12. Review status: criteria provided, single submitter. Criteria: Invitae Variant Classification Sherloc (09022015). Collection method: clinical testing. Allele origin: germline.

NM_058195.4(CDKN2A):c.182C>G (p.Pro61Arg)

Gene: CDKN2A (cyclin dependent kinase inhibitor 2A; minus strand). Cytogenetic location: 9p21.3.
Variant type: single nucleotide variant.
Coding change: c.182C>G on transcript NM_058195.4 (MANE Plus Clinical); coding-DNA position 182, C replaced by G.
Protein change: p.Pro61Arg; replaces proline 61 with arginine.
Molecular consequence: missense variant. On other transcripts: intron variant (1).
Genome position (GRCh38, 1-based): chr9:21,994,150, G>C on the plus strand (C>G on the coding strand, the complement: CDKN2A is on the minus strand). VCF-style: chr9-21994150-G-C. GRCh37 (hg19) VCF-style: chr9-21994149-G-C.
Other names: c.-4+671C>G (NM_001363763.2); short protein forms P61R.
Identifiers: ClinVar variation 1007158 (VCV001007158.7), dbSNP rs1820526529, ClinGen allele CA373086784.